The following is an entry in ClinVar:

ClinVar aggregate classification (germline): Uncertain significance (1 of 4 stars; one submission).

gnomAD v4.1: 1,572 of 1,610,522 alleles (0.098%); highest among the groups gnomAD compares: Non-Finnish European, 0.12%; 1 homozygote.

Submission:

GeneDx
Classification: Uncertain significance. Last evaluated: 2024-05-25. Review status: criteria provided, single submitter. Criteria: GeneDx Variant Classification Process June 2021. Collection method: clinical testing. Allele origin: germline. Affected: yes.
Comment: Reported in a patient with endometrial cancer (PMID: 32634176); In silico analysis indicates that this missense variant does not alter protein structure/function; This variant is associated with the following publications: (PMID: 32634176)

NM_002913.5(RFC1):c.2014G>T (p.Val672Leu)

Gene: RFC1 (replication factor C subunit 1; minus strand). Cytogenetic location: 4p14.
Variant type: single nucleotide variant.
Coding change: c.2014G>T on transcript NM_002913.5 (MANE Select); coding-DNA position 2014, G replaced by T.
Protein change: p.Val672Leu; replaces valine 672 with leucine.
Molecular consequence: missense variant.
Genome position (GRCh38, 1-based): chr4:39,304,910, C>A on the plus strand (G>T on the coding strand, the complement: RFC1 is on the minus strand). VCF-style: chr4-39304910-C-A. GRCh37 (hg19) VCF-style: chr4-39306530-C-A.
Other names: c.2017G>T, p.Val673Leu (NM_001204747.2); c.1936G>T, p.Val646Leu (NM_001363495.2); c.1939G>T, p.Val647Leu (NM_001363496.2); short protein forms V646L, V647L, V672L, V673L.
Identifiers: ClinVar variation 3381407 (VCV003381407.1).